The following is an entry in ClinVar:

ClinVar aggregate classification (germline): Uncertain significance. Review status: criteria provided, multiple submitters, no conflicts (2 of 4 stars). 2 submissions from 2 submitters: Uncertain significance (2). Last evaluated 2021-11-22.

Conditions:
Inborn genetic diseases. Identifiers: MedGen C0950123, MeSH D030342.
Multiple congenital exostosis (EXT). Also called: Hereditary multiple osteochondromas; Multiple exostoses; Hereditary multiple exostoses; Hereditary multiple exostosis; Multiple osteochondromas; MULTIPLE CARTILAGINOUS EXOSTOSES. Identifiers: Orphanet 321, MedGen C0015306, MONDO:0005508, HP:0002762.

Submissions (2):

Labcorp Genetics (formerly Invitae), Labcorp
Classification: Uncertain significance for Multiple congenital exostosis. Last evaluated: 2021-11-22. Review status: criteria provided, single submitter. Criteria: Invitae Variant Classification Sherloc (09022015). Collection method: clinical testing. Allele origin: germline.
Comment: Algorithms developed to predict the effect of missense changes on protein structure and function are either unavailable or do not agree on the potential impact of this missense change (SIFT: "Deleterious"; PolyPhen-2: "Probably Damaging"; Align-GVGD: "Class C0"). In summary, the available evidence is currently insufficient to determine the role of this variant in disease. Therefore, it has been classified as a Variant of Uncertain Significance. ClinVar contains an entry for this variant (Variation ID: 521842). This sequence change replaces serine, which is neutral and polar, with glycine, which is neutral and non-polar, at codon 220 of the EXT1 protein (p.Ser220Gly). This variant is not present in population databases (gnomAD no frequency). This variant has not been reported in the literature in individuals affected with EXT1-related conditions.

Ambry Genetics
Classification: Uncertain significance for Inborn genetic diseases. Last evaluated: 2018-01-10. Review status: criteria provided, single submitter. Criteria: Ambry exome assertion method (8-5-2015). Collection method: clinical testing. Allele origin: germline. Affected: yes. Observed: 1 variant allele.

NM_000127.3(EXT1):c.658A>G (p.Ser220Gly)

Gene: EXT1 (exostosin glycosyltransferase 1; minus strand). Cytogenetic location: 8q24.11.
Variant type: single nucleotide variant.
Coding change: c.658A>G on transcript NM_000127.3 (MANE Select); coding-DNA position 658, A replaced by G.
Protein change: p.Ser220Gly; replaces serine 220 with glycine.
Molecular consequence: missense variant.
Genome position (GRCh38, 1-based): chr8:118,110,389, T>C on the plus strand (A>G on the coding strand, the complement: EXT1 is on the minus strand). VCF-style: chr8-118110389-T-C. GRCh37 (hg19) VCF-style: chr8-119122628-T-C.
Other names: short protein forms S220G.
Identifiers: ClinVar variation 521842 (VCV000521842.9), dbSNP rs1554601506, ClinGen allele CA371915346.